The following is an entry in ClinVar:

NM_001354930.2(RIPK1):c.555G>C (p.Lys185Asn)

Gene: RIPK1 (receptor interacting serine/threonine kinase 1; plus strand). Cytogenetic location: 6p25.2.
Variant type: single nucleotide variant.
Coding change: c.555G>C on transcript NM_001354930.2 (MANE Select); coding-DNA position 555, G replaced by C.
Protein change: p.Lys185Asn; replaces lysine 185 with asparagine.
Molecular consequence: missense variant.
Genome position (GRCh38, 1-based): chr6:3,083,180, G>C. VCF-style: chr6-3083180-G-C. GRCh37 (hg19) VCF-style: chr6-3083414-G-C.
Other names: c.66G>C, p.Lys22Asn (NM_001317061.3, NM_001354932.2, NM_001354933.2 and 1 more transcripts); c.417G>C, p.Lys139Asn (NM_001354931.2); c.555G>C, p.Lys185Asn (NM_003804.6); short protein forms K185N, K22N, K139N.
Identifiers: ClinVar variation 1496935 (VCV001496935.8), dbSNP rs372342373, ClinGen allele CA3618223.

ClinVar aggregate classification (germline): Uncertain significance (1 of 4 stars; one submission).

Allele frequency attached by ClinVar (database versions not stated): gnomAD exomes 0.00001; ExAC 0.00002; TOPMed 0.00004; gnomAD 0.00005 and 0.00006; ESP Exome Variant Server 0.00008.
gnomAD v4.1: 19 of 1,613,950 alleles (0.0012%); highest among the groups gnomAD compares: African/African-American, 0.015%; no homozygotes.

Submission:

Labcorp Genetics (formerly Invitae), Labcorp
Classification: Uncertain significance. Last evaluated: 2022-06-13. Review status: criteria provided, single submitter. Criteria: Invitae Variant Classification Sherloc (09022015). Collection method: clinical testing. Allele origin: germline.
Comment: In summary, the available evidence is currently insufficient to determine the role of this variant in disease. Therefore, it has been classified as a Variant of Uncertain Significance. Algorithms developed to predict the effect of missense changes on protein structure and function are either unavailable or do not agree on the potential impact of this missense change (SIFT: "Not Available"; PolyPhen-2: "Benign"; Align-GVGD: "Not Available"). This variant has not been reported in the literature in individuals affected with RIPK1-related conditions. This variant is present in population databases (rs372342373, gnomAD 0.02%). This sequence change replaces lysine, which is basic and polar, with asparagine, which is neutral and polar, at codon 185 of the RIPK1 protein (p.Lys185Asn).